The following is an entry in ClinVar:

ClinVar aggregate classification (germline): Conflicting classifications of pathogenicity. Review status: criteria provided, conflicting classifications (1 of 4 stars). 9 submissions from 9 submitters: Pathogenic (1); Likely pathogenic (4); Uncertain significance (2). 2 of the submissions do not count toward it. Last evaluated 2025-02-27.

Conditions:
Gastric cancer. Also called: Stomach cancer; Malignant tumor of stomach. Identifiers: MedGen C0024623, MeSH D013274, MONDO:0001056, OMIM 613659, HP:0012126.
Hereditary cancer-predisposing syndrome. Also called: Tumor predisposition; Hereditary neoplastic syndrome; Hereditary Cancer Syndrome; Neoplastic Syndromes, Hereditary. Identifiers: Orphanet 140162, MedGen C0027672, MeSH D009386, MONDO:0015356.
Hereditary breast ovarian cancer syndrome. Also called: BRCA1- and BRCA2-Associated Hereditary Breast and Ovarian Cancer; Breast and ovarian cancer; Hereditary breast and ovarian cancer syndrome; Hereditary breast and ovarian cancer; Hereditary breast and/or ovarian cancer syndrome; Hereditary breast and ovarian cancer syndrome (HBOC). Identifiers: Orphanet 145, MedGen C0677776, MeSH D061325, MONDO:0003582. Disease mechanism: loss of function.
Breast-ovarian cancer, familial, susceptibility to, 4. Identifiers: Orphanet 145, MedGen C3280345, MONDO:0013669, OMIM 614291.

Allele frequency attached by ClinVar (database versions not stated): gnomAD exomes below 0.00001; ExAC 0.00002; 1000 Genomes Project 30x 0.00016; 1000 Genomes Project 0.00020.

Submissions (9):

Ambry Genetics
Classification: Pathogenic for Hereditary cancer-predisposing syndrome. Last evaluated: 2025-02-27. Review status: criteria provided, single submitter. Criteria: Ambry Variant Classification Scheme 2023. Collection method: clinical testing. Allele origin: germline.
Comment: The p.M1? pathogenic mutation (also known as c.1A>G) is located in coding exon 1 of the RAD51D gene and results from a A to G substitution at nucleotide position 1. This alters the methionine residue at the initiation codon (ATG). In addition to the clinical data presented in the literature, sequence variations that modify the initiation codon are expected to result in either loss of translation initiation, N-terminal truncation, or cause a shift in the mRNA reading frame. Based on the supporting evidence, this alteration is interpreted as a disease-causing mutation.

German Consortium for Hereditary Breast and Ovarian Cancer, University Hospital Cologne
Classification: Uncertain significance for Hereditary breast ovarian cancer syndrome. Last evaluated: 2024-07-09. Review status: criteria provided, single submitter. Criteria: ACMG Guidelines, 2015. Collection method: curation. Allele origin: germline.
Comment: Bewertung aller Varianten die das Startcodon betreffen im September!; According to the ACMG SVI adaptation criteria we chose these criteria: PVS1 (strong pathogenic): Frage zu PVS1-Bewertungsstärke: laut canvig RAD51C/D (=> Use ATM PVS1 Decision Tree): PVS1, (pathogene Variante upstream vom nächsten Startcodon) wie bewerten wir es? laut Toyun: PVS1-mod (pathogene Variante upstream vom nächsten Startcodon) Funktionelle Analyse: DNA BIndeDomäne , PM2 (supporting pathogenic): 1x in gnomAD V2 (non cancer oder all); 2x in gnomAD V3 (non cancer oder all)

Department of Pathology and Laboratory Medicine, Sinai Health System
Classification: Likely pathogenic for Hereditary breast ovarian cancer syndrome. Last evaluated: 2023-01-10. Review status: criteria provided, single submitter. Criteria: ACMG Guidelines, 2015. Collection method: clinical testing. Allele origin: germline. Affected: yes.

Labcorp Genetics (formerly Invitae), Labcorp
Classification: Uncertain significance for Breast-ovarian cancer, familial, susceptibility to, 4. Last evaluated: 2022-10-16. Review status: criteria provided, single submitter. Criteria: Invitae Variant Classification Sherloc (09022015). Collection method: clinical testing. Allele origin: germline.
Comment: In summary, the available evidence is currently insufficient to determine the role of this variant in disease. Therefore, it has been classified as a Variant of Uncertain Significance. ClinVar contains an entry for this variant (Variation ID: 127884). Disruption of the initiator codon has been observed in individual(s) with ovarian cancer and colon polyps and colon or ovarian cancer and a personal or family history of breast and/or ovarian cancer (PMID: 24130102, 26681312, 27978560, 30322717). This variant is present in population databases (rs561425038, gnomAD 0.006%). This sequence change affects the initiator methionine of the RAD51D mRNA. The next in-frame methionine is located at codon 16.

Color Diagnostics, LLC DBA Color Health
Classification: Likely pathogenic for Hereditary cancer-predisposing syndrome. Last evaluated: 2020-10-21. Review status: criteria provided, single submitter. Criteria: ACMG Guidelines, 2015. Collection method: clinical testing. Allele origin: germline.
Comment: This variant results in the loss of translation initiator codon of the RAD51D gene. Although functional studies have not been reported, this variant is expected to result in an absent or non-functional protein product. It has been shown that the highly conserved RAD51D N-terminus (a.a. 1-83) encodes the single-stranded DNA binding domain and that the 13-residue N-terminal tail (a.a. 1-13) contributes to proper protein folding via hydrophobic interactions between side chains of the N-terminal tail and alpha helices of the single-stranded DNA binding domain (PMID: 21111057). These findings suggest that the production of a full-length protein from p.Met1 is important for RAD51 function. While an in-frame methionine occurs at codon 16, it is not known if it can serve as an alternative translation initiation site to produce a functional RAD51D protein. This variant has been reported in an individual affected with ovarian cancer (PMID: 26681312) and in an individual affected with colorectal cancer (PMID: 27978560). A different nucleotide substitution with the same protein effect (c.1A>T) has also been reported in an individual affected with breast and ovarian cancer (PMID: 24130102). This variant has been identified in 1/246458 chromosomes in the general population by the Genome Aggregation Database (gnomAD). Based on the available evidence, this variant is classified as Likely Pathogenic.

GeneDx
Classification: Likely pathogenic. Last evaluated: 2020-05-05. Review status: criteria provided, single submitter. Criteria: GeneDx Variant Classification Process June 2021. Collection method: clinical testing. Allele origin: germline. Affected: yes.
Comment: Initiation codon variant in a gene for which loss-of-function is a known mechanism of disease; Not observed at a significant frequency in large population cohorts (Lek et al., 2016); This variant is associated with the following publications: (PMID: 26681312, 24130102, 27978560, 30103829)

Mendelics
Classification: Likely pathogenic for Breast-ovarian cancer, familial, susceptibility to, 4. Last evaluated: 2019-05-28. Review status: criteria provided, single submitter. Criteria: Mendelics Assertion Criteria 2017. Collection method: clinical testing. Allele origin: unknown.

Laboratory for Genotyping Development, RIKEN
Classification: Pathogenic for Gastric cancer. Last evaluated: 2021-07-01. Review status: no assertion criteria provided. Collection method: research. Allele origin: germline. Not counted in ClinVar's aggregate classification.

Counsyl
Classification: Likely pathogenic for Breast-ovarian cancer, familial, susceptibility to, 4. Last evaluated: 2017-04-06. Review status: no assertion criteria provided. Collection method: clinical testing. Allele origin: unknown. Not counted in ClinVar's aggregate classification.

Literature cited by the submitters: PubMed 26681312 (cited by 4 submitters); PubMed 27978560 (cited by 4 submitters); PubMed 30103829 (cited by Ambry Genetics); PubMed 30322717 (cited by 3 submitters); PubMed 24130102 (cited by Labcorp Genetics (formerly Invitae), Labcorp); PubMed 36988593 (cited by Laboratory for Genotyping Development, RIKEN).

NM_002878.4(RAD51D):c.1A>G (p.Met1Val)

Genes: RAD51L3-RFFL (RAD51L3-RFFL readthrough; minus strand), RAD51D (RAD51 paralog D; minus strand). Cytogenetic location: 17q12.
Variant type: single nucleotide variant.
Coding change: c.1A>G on transcript NM_002878.4 (MANE Select); coding-DNA position 1, A replaced by G.
Protein change: p.Met1Val; changes the start codon (methionine 1).
Molecular consequence: missense variant, initiator codon variant. On other transcripts: non-coding transcript variant (2).
Genome position (GRCh38, 1-based): chr17:35,119,613, T>C on the plus strand (A>G on the coding strand, the complement: RAD51D is on the minus strand). VCF-style: chr17-35119613-T-C. GRCh37 (hg19) VCF-style: chr17-33446632-T-C.
Other names: c.1A>G, p.Met1Val (NM_001142571.2, NM_133629.3); short protein forms M1V.
Identifiers: ClinVar variation 127884 (VCV000127884.39), dbSNP rs561425038, ClinGen allele CA287962.